The following is an entry in ClinVar:

NM_152327.5(AK7):c.1096A>T (p.Met366Leu)

Gene: AK7 (adenylate kinase 7; plus strand). Cytogenetic location: 14q32.2.
Variant type: single nucleotide variant.
Coding change: c.1096A>T on transcript NM_152327.5 (MANE Select); coding-DNA position 1096, A replaced by T.
Protein change: p.Met366Leu; replaces methionine 366 with leucine.
Molecular consequence: missense variant.
Genome position (GRCh38, 1-based): chr14:96,451,568, A>T. VCF-style: chr14-96451568-A-T. GRCh37 (hg19) VCF-style: chr14-96917905-A-T.
Other names: c.1096A>T, p.Met366Leu (NM_001350888.2, NM_001350890.2, NM_001350892.2); c.1018A>T, p.Met340Leu (NM_001350891.2); short protein forms M366L, M340L.
Identifiers: ClinVar variation 3714929 (VCV003714929.2).

ClinVar aggregate classification (germline): Uncertain significance (1 of 4 stars; one submission).

Submission:

Labcorp Genetics (formerly Invitae), Labcorp
Classification: Uncertain significance. Last evaluated: 2024-05-31. Review status: criteria provided, single submitter. Criteria: Invitae Variant Classification Sherloc (09022015). Collection method: clinical testing. Allele origin: germline.
Comment: This sequence change replaces methionine, which is neutral and non-polar, with leucine, which is neutral and non-polar, at codon 366 of the AK7 protein (p.Met366Leu). The frequency data for this variant in the population databases is considered unreliable, as metrics indicate poor data quality at this position in the gnomAD database. This variant has not been reported in the literature in individuals affected with AK7-related conditions. Algorithms developed to predict the effect of missense changes on protein structure and function output the following: SIFT: "Not Available"; PolyPhen-2: "Benign"; Align-GVGD: "Not Available". The leucine amino acid residue is found in multiple mammalian species, which suggests that this missense change does not adversely affect protein function. In summary, the available evidence is currently insufficient to determine the role of this variant in disease. Therefore, it has been classified as a Variant of Uncertain Significance.